The following is an entry in ClinVar:

ClinVar aggregate classification (germline): Uncertain significance (1 of 4 stars; one submission).

Conditions:
RYR1-related disorder. Also called: RYR1-related condition; RYR1-related disorders. Identifiers: MedGen CN239331.

Submission:

Labcorp Genetics (formerly Invitae), Labcorp
Classification: Uncertain significance for RYR1-related disorder. Last evaluated: 2022-08-05. Review status: criteria provided, single submitter. Criteria: Invitae Variant Classification Sherloc (09022015). Collection method: clinical testing. Allele origin: germline.
Comment: In summary, the available evidence is currently insufficient to determine the role of this variant in disease. Therefore, it has been classified as a Variant of Uncertain Significance. Advanced modeling of protein sequence and biophysical properties (such as structural, functional, and spatial information, amino acid conservation, physicochemical variation, residue mobility, and thermodynamic stability) performed at Invitae indicates that this missense variant is not expected to disrupt RYR1 protein function. This variant has not been reported in the literature in individuals affected with RYR1-related conditions. This variant is not present in population databases (gnomAD no frequency). This sequence change replaces leucine, which is neutral and non-polar, with valine, which is neutral and non-polar, at codon 4015 of the RYR1 protein (p.Leu4015Val).

NM_000540.3(RYR1):c.12043C>G (p.Leu4015Val)

Gene: RYR1 (ryanodine receptor 1; plus strand). Cytogenetic location: 19q13.2.
Variant type: single nucleotide variant.
Coding change: c.12043C>G on transcript NM_000540.3 (MANE Select); coding-DNA position 12043, C replaced by G.
Protein change: p.Leu4015Val; replaces leucine 4015 with valine.
Molecular consequence: missense variant.
Genome position (GRCh38, 1-based): chr19:38,546,475, C>G. VCF-style: chr19-38546475-C-G. GRCh37 (hg19) VCF-style: chr19-39037115-C-G.
Other names: c.12028C>G, p.Leu4010Val (NM_001042723.2); short protein forms L4010V, L4015V.
Identifiers: ClinVar variation 1715195 (VCV001715195.5), dbSNP rs2514591730, ClinGen allele CA405663876.
Genomic context (GRCh38, chr19:38,546,475, plus strand): 5'-GACCAGCCCTCACCGAGCTGGGATCTCTAGGACTCAAGCCAGATCGAGCTGCTGAAGGAG[C>G]TGCTGGATCTGCAGAAGGACATGGTGGTGATGTTGCTGTCGCTACTAGAAGGTAAACACC-3'
Protein context (NP_000531.2, residues 4005-4025): DSSQIELLKE[Leu4015Val]LDLQKDMVVM